The following is an entry in ClinVar:

NM_001128225.3(SLC39A13):c.-6C>T

Gene: SLC39A13 (solute carrier family 39 member 13; plus strand). Cytogenetic location: 11p11.2.
Variant type: single nucleotide variant.
Coding change: c.-6C>T on transcript NM_001128225.3 (MANE Select); 6 bases upstream of the start codon, C replaced by T.
Molecular consequence: 5 prime UTR variant. On other transcripts: non-coding transcript variant (1).
Genome position (GRCh38, 1-based): chr11:47,410,089, C>T. VCF-style: chr11-47410089-C-T. GRCh37 (hg19) VCF-style: chr11-47431640-C-T.
Other names: c.-6C>T (NM_001330245.2, NM_152264.5, NM_152264.4).
Identifiers: ClinVar variation 3777283 (VCV003777283.2).

ClinVar aggregate classification (germline): Conflicting classifications of pathogenicity. Review status: criteria provided, conflicting classifications (1 of 4 stars). 2 submissions from 2 submitters: Uncertain significance (1); Likely benign (1). Last evaluated 2025-08-29.

Submissions (2):

Mayo Clinic Laboratories, Mayo Clinic
Classification: Likely benign. Last evaluated: 2025-08-29. Review status: criteria provided, single submitter. Criteria: ACMG Guidelines, 2015. Collection method: clinical testing. Allele origin: germline. Observed: 1 variant allele.
Comment: BP4, BP7

GeneDx
Classification: Uncertain significance. Last evaluated: 2024-10-14. Review status: criteria provided, single submitter. Criteria: GeneDx Variant Classification Process June 2021. Collection method: clinical testing. Allele origin: germline. Affected: yes.
Comment: Has not been previously published as pathogenic or benign to our knowledge; Located in a regulatory region; in the absence of functional studies, the actual effect of this sequence change is unknown